The following is an entry in ClinVar:

ClinVar aggregate classification (germline): Uncertain significance. Review status: criteria provided, multiple submitters, no conflicts (2 of 4 stars). 2 submissions from 2 submitters: Uncertain significance (2). Last evaluated 2022-09-13.

Conditions:
Donnai-Barrow syndrome. Also called: DBS/FOAR SYNDROME; FACIOOCULOACOUSTICORENAL SYNDROME. Identifiers: Orphanet 2143, MedGen C1857277, MONDO:0009104, OMIM 222448.

Allele frequency attached by ClinVar (database versions not stated): gnomAD 0.00003; TOPMed 0.00003; ExAC 0.00007; ESP Exome Variant Server 0.00015.
gnomAD v4.1: 60 of 1,614,014 alleles (0.0037%); highest among the groups gnomAD compares: South Asian, 0.033%; 1 homozygote.

Submissions (2):

Labcorp Genetics (formerly Invitae), Labcorp
Classification: Uncertain significance. Last evaluated: 2022-09-13. Review status: criteria provided, single submitter. Criteria: Invitae Variant Classification Sherloc (09022015). Collection method: clinical testing. Allele origin: germline.
Comment: This sequence change replaces aspartic acid, which is acidic and polar, with asparagine, which is neutral and polar, at codon 3864 of the LRP2 protein (p.Asp3864Asn). This variant is present in population databases (rs151286117, gnomAD 0.04%). This variant has not been reported in the literature in individuals affected with LRP2-related conditions. ClinVar contains an entry for this variant (Variation ID: 1520809). Algorithms developed to predict the effect of missense changes on protein structure and function are either unavailable or do not agree on the potential impact of this missense change (SIFT: "Tolerated"; PolyPhen-2: "Possibly Damaging"; Align-GVGD: "Class C0"). In summary, the available evidence is currently insufficient to determine the role of this variant in disease. Therefore, it has been classified as a Variant of Uncertain Significance.

Fulgent Genetics
Classification: Uncertain significance for Donnai-Barrow syndrome. Last evaluated: 2021-10-29. Review status: criteria provided, single submitter. Criteria: ACMG Guidelines, 2015. Collection method: clinical testing. Allele origin: unknown.

NM_004525.3(LRP2):c.11590G>A (p.Asp3864Asn)

Gene: LRP2 (LDL receptor related protein 2; minus strand). Cytogenetic location: 2q31.1.
Variant type: single nucleotide variant.
Coding change: c.11590G>A on transcript NM_004525.3 (MANE Select); coding-DNA position 11590, G replaced by A.
Protein change: p.Asp3864Asn; replaces aspartic acid 3864 with asparagine.
Molecular consequence: missense variant.
Genome position (GRCh38, 1-based): chr2:169,168,584, C>T on the plus strand (G>A on the coding strand, the complement: LRP2 is on the minus strand). VCF-style: chr2-169168584-C-T. GRCh37 (hg19) VCF-style: chr2-170025094-C-T.
Other names: short protein forms D3864N.
Identifiers: ClinVar variation 1520809 (VCV001520809.6), dbSNP rs151286117, ClinGen allele CA1953021.